The following is an entry in ClinVar:

NM_080732.4(EGLN2):c.218C>T (p.Ala73Val)

Genes: EGLN2 (egl-9 family hypoxia inducible factor 2; plus strand), RAB4B-EGLN2 (RAB4B-EGLN2 readthrough (NMD candidate); plus strand). Cytogenetic location: 19q13.2.
Variant type: single nucleotide variant.
Coding change: c.218C>T on transcript NM_080732.4 (MANE Select); coding-DNA position 218, C replaced by T.
Protein change: p.Ala73Val; replaces alanine 73 with valine.
Molecular consequence: missense variant. On other transcripts: non-coding transcript variant (1).
Genome position (GRCh38, 1-based): chr19:40,800,790, C>T. VCF-style: chr19-40800790-C-T. GRCh37 (hg19) VCF-style: chr19-41306695-C-T.
Other names: c.218C>T, p.Ala73Val (NM_053046.4); short protein forms A73V.
Identifiers: ClinVar variation 1787398 (VCV001787398.2), dbSNP rs2515993196, ClinGen allele CA405954798.

ClinVar aggregate classification (germline): Uncertain significance (1 of 4 stars; one submission).

Submission:

Ambry Genetics
Classification: Uncertain significance. Last evaluated: 2022-06-20. Review status: criteria provided, single submitter. Criteria: Ambry Variant Classification Scheme 2023. Collection method: clinical testing. Allele origin: germline.
Comment: The p.A73V variant (also known as c.218C>T), located in coding exon 1 of the EGLN2 gene, results from a C to T substitution at nucleotide position 218. The alanine at codon 73 is replaced by valine, an amino acid with similar properties. This amino acid position is conserved. In addition, this alteration is predicted to be tolerated by in silico analysis. Since supporting evidence is limited at this time, the clinical significance of this alteration remains unclear.